The following is an entry in ClinVar:

ClinVar aggregate classification (germline): Likely pathogenic (1 of 4 stars; one submission).

Submission:

GeneDx
Classification: Likely pathogenic. Last evaluated: 2022-11-21. Review status: criteria provided, single submitter. Criteria: GeneDx Variant Classification Process June 2021. Collection method: clinical testing. Allele origin: germline. Affected: yes.
Comment: Has not been previously published as pathogenic or benign to our knowledge; Not observed at significant frequency in large population cohorts (gnomAD); Frameshift variant predicted to result in protein truncation or nonsense mediated decay in a gene for which loss of function is a known mechanism of disease

NM_001458.5(FLNC):c.2655dup (p.Lys886fs)

Gene: FLNC (filamin C; plus strand). Cytogenetic location: 7q32.1.
Variant type: Duplication.
Coding change: c.2655dup on transcript NM_001458.5 (MANE Select); coding-DNA position 2655, one base duplicated (G; older notation c.2655dupG).
Protein change: p.Lys886fs; shifts the reading frame from lysine 886.
Molecular consequence: frameshift variant.
Genome position (GRCh38, 1-based): chr7:128,843,421, G duplicated; the last of 3 consecutive G bases (chr7:128,843,419-128,843,421); duplicating any one gives the same sequence. VCF-style (leftmost placement, unchanged base first): chr7-128843418-C-CG. GRCh37 (hg19) VCF-style: chr7-128483472-C-CG.
Other names: c.2655dup, p.Lys886fs (NM_001127487.2); short protein forms K886fs.
Identifiers: ClinVar variation 2502512 (VCV002502512.1), dbSNP rs2536633680, ClinGen allele CA1682913321.